The following is an entry in ClinVar:

ClinVar aggregate classification (germline): Pathogenic (1 of 4 stars; one submission).

Conditions:
Neurofibromatosis, type 1 (NF1). Also called: Peripheral type neurofibromatosis; VON RECKLINGHAUSEN DISEASE; NEUROFIBROMATOSIS, TYPE I, SOMATIC; Neurofibromatosis, type I. Identifiers: Orphanet 636, MedGen C0027831, MONDO:0018975, OMIM 162200. Disease mechanism: loss of function.

Submission:

Labcorp Genetics (formerly Invitae), Labcorp
Classification: Pathogenic for Neurofibromatosis, type 1. Last evaluated: 2024-05-22. Review status: criteria provided, single submitter. Criteria: Invitae Variant Classification Sherloc (09022015). Collection method: clinical testing. Allele origin: germline.
Comment: This variant, c.127_129del, results in the deletion of 1 amino acid(s) of the NF1 protein (p.Leu43del), but otherwise preserves the integrity of the reading frame. This variant is not present in population databases (gnomAD no frequency). This variant has not been reported in the literature in individuals affected with NF1-related conditions. This variant disrupts a region of the NF1 protein in which other variant(s) (p.Leu43Gln) have been determined to be pathogenic (PMID: 28529006; Invitae). This suggests that this is a clinically significant region of the protein, and that variants that disrupt it are likely to be disease-causing. For these reasons, this variant has been classified as Pathogenic.

Literature cited by the submitters: PubMed 28529006.

NM_001042492.3(NF1):c.127_129del (p.Leu43del)

Gene: NF1 (neurofibromin 1; plus strand). Cytogenetic location: 17q11.2.
Variant type: Deletion.
Coding change: c.127_129del on transcript NM_001042492.3 (MANE Select); coding-DNA positions 127 to 129, 3 bases deleted (CTA; older notation c.127_129delCTA).
Protein change: p.Leu43del; deletes leucine 43.
Molecular consequence: inframe deletion. On other transcripts: inframe indel (1).
Genome position (GRCh38, 1-based): chr17:31,156,049-31,156,051, CTA deleted. VCF-style (leftmost placement, unchanged base first): chr17-31156048-TCTA-T. GRCh37 (hg19) VCF-style: chr17-29483066-TCTA-T.
Other names: c.127_129delCTA, p.Leu43del (NM_000267.4); c.127_129del, p.Leu43del (NM_001128147.3); short protein forms L43del.
Identifiers: ClinVar variation 3654170 (VCV003654170.2).